The following is an entry in ClinVar:

ClinVar aggregate classification (germline): Pathogenic (1 of 4 stars; one submission).

Conditions:
Hereditary cancer-predisposing syndrome. Also called: Hereditary Cancer Syndrome; Neoplastic Syndromes, Hereditary; Tumor predisposition; Hereditary neoplastic syndrome. Identifiers: Orphanet 140162, MedGen C0027672, MeSH D009386, MONDO:0015356.

Submission:

Ambry Genetics
Classification: Pathogenic for Hereditary cancer-predisposing syndrome. Last evaluated: 2023-10-13. Review status: criteria provided, single submitter. Criteria: Ambry Variant Classification Scheme 2023. Collection method: clinical testing. Allele origin: germline.
Comment: The c.4933_4942del10 pathogenic mutation, located in coding exon 22 of the DICER1 gene, results from a deletion of 10 nucleotides at nucleotide positions 4933 to 4942, causing a translational frameshift with a predicted alternate stop codon (p.P1645Vfs*12). This alteration is expected to result in loss of function by premature protein truncation or nonsense-mediated mRNA decay. As such, this alteration is interpreted as a disease-causing mutation.

NM_177438.3(DICER1):c.4933_4942del (p.Pro1645fs)

Gene: DICER1 (dicer 1, ribonuclease III; minus strand). Cytogenetic location: 14q32.13.
Variant type: Deletion.
Coding change: c.4933_4942del on transcript NM_177438.3 (MANE Select); coding-DNA positions 4933 to 4942, 10 bases deleted (CCACCAAGAT; older notation c.4933_4942delCCACCAAGAT).
Protein change: p.Pro1645fs; shifts the reading frame from proline 1645.
Molecular consequence: frameshift variant. On other transcripts: non-coding transcript variant (6).
Genome position (GRCh38, 1-based): chr14:95,095,978-95,095,987, ATCTTGGTGG deleted on the plus strand (CCACCAAGAT on the coding strand, the reverse complement: DICER1 is on the minus strand); deleting any 10 consecutive bases within chr14:95,095,978-95,095,988 gives the same sequence; the c. name uses the placement nearest the transcript's 3' end. VCF-style (leftmost placement, unchanged base first): chr14-95095977-CATCTTGGTGG-C. GRCh37 (hg19) VCF-style: chr14-95562314-CATCTTGGTGG-C.
Other names: c.4933_4942del, p.Pro1645fs (NM_001195573.1, NM_001271282.3, NM_001291628.2 and 12 more transcripts); c.4932_4941delTCCACCAAGA, p.Pro1645Valfs (NM_001395681.1); c.4651_4660del, p.Pro1551fs (NM_001395686.1); c.4528_4537del, p.Pro1510fs (NM_001395687.1, NM_001395688.1, NM_001395689.1 and 2 more transcripts); c.4366_4375del, p.Pro1456fs (NM_001395691.1); c.3250_3259del, p.Pro1084fs (NM_001395697.1); c.4933_4942del10 (NM_177438.2); short protein forms P1084fs, P1551fs, P1456fs, P1510fs, P1645fs.
Identifiers: ClinVar variation 1744209 (VCV001744209.2), dbSNP rs2542480067, ClinGen allele CA2580088957.